The following is an entry in ClinVar:

NM_001164508.2(NEB):c.24666del (p.Phe8222fs)

Genes: NEB (nebulin; minus strand), RIF1 (replication timing regulatory factor 1; plus strand). Cytogenetic location: 2q23.3.
Variant type: Deletion.
Coding change: c.24666del on transcript NM_001164508.2 (MANE Select); coding-DNA position 24666, one base deleted (T; older notation c.24666delT).
Protein change: p.Phe8222fs; shifts the reading frame from phenylalanine 8222.
Molecular consequence: frameshift variant.
Genome position (GRCh38, 1-based): chr2:151,493,781, A deleted on the plus strand (T on the coding strand, the reverse complement: NEB is on the minus strand); the first of 3 consecutive A bases (chr2:151,493,781-151,493,783); deleting any one gives the same sequence. VCF-style (leftmost placement, unchanged base first): chr2-151493780-TA-T. GRCh37 (hg19) VCF-style: chr2-152350294-TA-T.
Other names: NM_001164508.2(NEB):c.24666del; p.Phe8222fs; c.24771del (NM_001271208.1); c.24771delT (NM_001271208.2); c.24666del, p.Phe8222fs (NM_001164507.2); c.24771del, p.Phe8257fs (NM_001271208.2); c.19098del, p.Phe6366fs (NM_004543.5); short protein forms F6366fs, F8222fs, F8257fs.
Identifiers: ClinVar variation 279999 (VCV000279999.24), dbSNP rs794727136, ClinGen allele CA10602813.

ClinVar aggregate classification (germline): Pathogenic/Likely pathogenic. Review status: criteria provided, multiple submitters, no conflicts (2 of 4 stars). 8 submissions from 8 submitters: Pathogenic (4); Likely pathogenic (3). 1 of the submissions does not count toward it. Last evaluated 2025-12-30.

Conditions:
Nemaline myopathy 2 (NEM2). Also called: Nemaline myopathy 2, autosomal recessive. Identifiers: MedGen C1850569, MONDO:0009725, OMIM 256030.
Arthrogryposis multiplex congenita 6. Identifiers: MedGen C5543431, MONDO:0030281, OMIM 619334.

Submissions (8):

Natera, Inc.
Classification: Pathogenic for Nemaline myopathy type 2. Last evaluated: 2025-12-30. Review status: criteria provided, single submitter. Criteria: Natera Variant Classification Schema (03/2026). Collection method: clinical testing. Allele origin: germline.
Comment: The c.24771delT variant in NEB is a frameshift variant predicted to shift the reading frame beginning at codon 8257 and leads to a stop codon 10 codons downstream. This variant is expected to result in nonsense mediated decay, truncation, or a dysfunctional protein product. This variant is rare in the general population with a frequency below the threshold expected for the associated phenotype(s). This variant has been observed in one or more individuals affected with the associated recessive disease, as either homozygous or compound heterozygous with a second variant (PMID: 38187705). Given the available evidence, this variant is classified as Pathogenic.

GeneDx
Classification: Pathogenic. Last evaluated: 2024-08-22. Review status: criteria provided, single submitter. Criteria: GeneDx Variant Classification Process June 2021. Collection method: clinical testing. Allele origin: germline. Affected: yes.
Comment: Frameshift variant predicted to result in protein truncation or nonsense mediated decay in a gene for which loss of function is a known mechanism of disease; Not observed at significant frequency in large population cohorts (gnomAD); Has not been previously published as pathogenic or benign to our knowledge

Baylor Genetics
Classification: Likely pathogenic for Arthrogryposis multiplex congenita 6. Last evaluated: 2024-03-19. Review status: criteria provided, single submitter. Criteria: ACMG Guidelines, 2015. Collection method: clinical testing. Allele origin: unknown.

Labcorp Genetics (formerly Invitae), Labcorp
Classification: Pathogenic for Nemaline myopathy 2. Last evaluated: 2024-02-14. Review status: criteria provided, single submitter. Criteria: Invitae Variant Classification Sherloc (09022015). Collection method: clinical testing. Allele origin: germline.
Comment: This sequence change creates a premature translational stop signal (p.Phe8257Leufs*10) in the NEB gene. It is expected to result in an absent or disrupted protein product. Loss-of-function variants in NEB are known to be pathogenic (PMID: 25205138). The frequency data for this variant in the population databases is considered unreliable, as metrics indicate poor data quality at this position in the gnomAD database. This variant has not been reported in the literature in individuals affected with NEB-related conditions. ClinVar contains an entry for this variant (Variation ID: 279999). For these reasons, this variant has been classified as Pathogenic.

Broad Center for Mendelian Genomics, Broad Institute of MIT and Harvard
Classification: Likely pathogenic for Nemaline myopathy 2. Last evaluated: 2023-01-24. Review status: criteria provided, single submitter. Criteria: ACMG Guidelines, 2015. Collection method: curation. Allele origin: germline. Inheritance: Autosomal recessive inheritance.
Comment: Trio exome analysis showed that this variant was in trans with a variant of uncertain significance (NC_000002.12:g.151612184A>T). The p.Phe8222fs variant has not been previously reported in the literature in individuals with nemaline myopathy 2 but has been identified in 0.004% (3/82708) of European (non-Finnish) chromosomes by the Genome Aggregation Database (gnomAD; dbSNP ID: rs794727136). Although this variant has been seen in the general population in a heterozygous state, its frequency is low enough to be consistent with a recessive carrier frequency. This variant has also been reported in ClinVar (Variation ID: 279999) and has been interpreted as pathogenic by GeneDx, Invitae, Natera, Inc, and PerkinElmer Genomics and as likely pathogenic by Counsyl and the Daryl Scott Lab of the Baylor College of Medicine. This variant is predicted to cause a frameshift, which alters the protein‚Äôs amino acid sequence beginning at position 8222 and leads to a premature termination codon 10 amino acids downstream. This alteration is then predicted to lead to a truncated or absent protein. Loss of function of the NEB gene is an established disease mechanism in autosomal recessive nemaline myopathy. In summary, although additional studies are required to fully establish its clinical significance, this variant is likely pathogenic for nemaline myopathy 2. ACMG/AMP Criteria applied: PVS1, PM2_Supporting (Richards 2015).

Daryl Scott Lab, Baylor College of Medicine
Classification: Likely pathogenic for Nemaline myopathy 2. Last evaluated: 2022-02-01. Review status: criteria provided, single submitter. Criteria: ACMG Guidelines, 2015. Collection method: clinical testing. Allele origin: unknown. Observed: 1 variant allele, 1 compound heterozygote.

Revvity Omics, Revvity
Classification: Pathogenic. Last evaluated: 2019-07-08. Review status: criteria provided, single submitter. Criteria: ACMG Guidelines, 2015. Collection method: clinical testing. Allele origin: germline.

Counsyl
Classification: Likely pathogenic for Nemaline myopathy 2. Last evaluated: 2017-11-09. Review status: no assertion criteria provided. Collection method: clinical testing. Allele origin: unknown. Not counted in ClinVar's aggregate classification.

Literature cited by the submitters: PubMed 38187705 (cited by Natera, Inc.); PubMed 25205138 (cited by Labcorp Genetics (formerly Invitae), Labcorp); PubMed 36474027 (cited by Daryl Scott Lab, Baylor College of Medicine).